The following is an entry in ClinVar:

ClinVar aggregate classification (germline): Pathogenic. Review status: criteria provided, multiple submitters, no conflicts (2 of 4 stars). 4 submissions from 4 submitters: Pathogenic (4). Last evaluated 2025-04-07.

Conditions:
Hereditary cancer-predisposing syndrome. Also called: Neoplastic Syndromes, Hereditary; Tumor predisposition; Hereditary Cancer Syndrome; Hereditary neoplastic syndrome. Identifiers: Orphanet 140162, MedGen C0027672, MeSH D009386, MONDO:0015356.
Lynch syndrome 5 (LYNCH5). Also called: Colorectal cancer, hereditary nonpolyposis, type 5; Hereditary non-polyposis colorectal cancer, type 5. Identifiers: Orphanet 144, MedGen C1833477, MONDO:0013710, OMIM 614350. Disease mechanism: loss of function.
Hereditary nonpolyposis colorectal neoplasms. Identifiers: MedGen C0009405, MeSH D003123.

Submissions (4):

Labcorp Genetics (formerly Invitae), Labcorp
Classification: Pathogenic for Hereditary nonpolyposis colorectal neoplasms. Last evaluated: 2025-04-07. Review status: criteria provided, single submitter. Criteria: Invitae Variant Classification Sherloc (09022015). Collection method: clinical testing. Allele origin: germline.
Comment: This sequence change creates a premature translational stop signal (p.Ser1208Phefs*7) in the MSH6 gene. It is expected to result in an absent or disrupted protein product. Loss-of-function variants in MSH6 are known to be pathogenic (PMID: 18269114, 24362816). This variant is not present in population databases (gnomAD no frequency). This variant has not been reported in the literature in individuals affected with MSH6-related conditions. ClinVar contains an entry for this variant (Variation ID: 483852). For these reasons, this variant has been classified as Pathogenic.

Myriad Genetics, Inc.
Classification: Pathogenic for Lynch syndrome 5. Last evaluated: 2023-08-24. Review status: criteria provided, single submitter. Criteria: Myriad Autosomal Dominant, Autosomal Recessive and X-Linked Classification Criteria (2023). Collection method: clinical testing. Allele origin: unknown.
Comment: This variant is considered pathogenic. This variant creates a frameshift predicted to result in premature protein truncation.

Ambry Genetics
Classification: Pathogenic for Hereditary cancer-predisposing syndrome. Last evaluated: 2022-08-24. Review status: criteria provided, single submitter. Criteria: Ambry Variant Classification Scheme 2023. Collection method: clinical testing. Allele origin: germline.
Comment: The c.3622dupT pathogenic mutation, located in coding exon 7 of the MSH6 gene, results from a duplication of one nucleotide (T) at position 3622, causing a translational frameshift with a predicted alternate stop codon (p.S1208Ffs*7). This alteration is expected to result in loss of function by premature protein truncation or nonsense-mediated mRNA decay. As such, this alteration is interpreted as a disease-causing mutation.

GeneDx
Classification: Pathogenic. Last evaluated: 2019-04-10. Review status: criteria provided, single submitter. Criteria: GeneDx Variant Classification Process June 2021. Collection method: clinical testing. Allele origin: germline. Affected: yes.
Comment: Frameshift variant predicted to result in protein truncation or nonsense mediated decay in a gene for which loss-of-function is a known mechanism of disease; Not observed in large population cohorts (Lek et al., 2016); This variant is associated with the following publications: (PMID: 11709755)

Literature cited by the submitters: PubMed 18269114 (cited by Labcorp Genetics (formerly Invitae), Labcorp); PubMed 24362816 (cited by Labcorp Genetics (formerly Invitae), Labcorp).

NM_000179.3(MSH6):c.3622dup (p.Ser1208fs)

Gene: MSH6 (mutS homolog 6; plus strand). Cytogenetic location: 2p16.3.
Variant type: Duplication.
Coding change: c.3622dup on transcript NM_000179.3 (MANE Select); coding-DNA position 3622, one base duplicated (T; older notation c.3622dupT).
Protein change: p.Ser1208fs; shifts the reading frame from serine 1208.
Molecular consequence: frameshift variant.
Genome position (GRCh38, 1-based): chr2:47,805,683, T duplicated; the last of 2 consecutive T bases (chr2:47,805,682-47,805,683); duplicating either gives the same sequence. VCF-style (leftmost placement, unchanged base first): chr2-47805681-A-AT. GRCh37 (hg19) VCF-style: chr2-48032820-A-AT.
Other names: c.3232dup, p.Ser1078fs (NM_001281492.2); c.2716dup, p.Ser906fs (NM_001281493.2, NM_001281494.2); c.3622dupT (NM_000179.2); short protein forms S1078fs, S1208fs, S906fs.
Identifiers: ClinVar variation 483852 (VCV000483852.15), dbSNP rs1553332733, ClinGen allele CA658655729.